The following is an entry in ClinVar:

ClinVar aggregate classification (germline): Uncertain significance. Review status: criteria provided, multiple submitters, no conflicts (2 of 4 stars). 2 submissions from 2 submitters: Uncertain significance (2). Last evaluated 2026-05-05.

Conditions:
Inborn genetic diseases. Identifiers: MedGen C0950123, MeSH D030342.

Allele frequency attached by ClinVar (database versions not stated): gnomAD exomes below 0.00001; TOPMed below 0.00001; gnomAD 0.00001.
gnomAD v4.1: 7 of 1,568,598 alleles (0.00045%); highest among the groups gnomAD compares: East Asian, 0.0045%; no homozygotes.

Submissions (2):

Women's Health and Genetics/Laboratory Corporation of America, LabCorp
Classification: Uncertain significance. Last evaluated: 2026-05-05. Review status: criteria provided, single submitter. Criteria: LabCorp Variant Classification Summary - May 2015. Collection method: clinical testing. Allele origin: germline.
Comment: Variant summary: KCNH1 c.2212C>T (p.Arg738Trp) results in a non-conservative amino acid change in the encoded protein sequence. Algorithms developed to predict the effect of missense changes on protein structure and function are either unavailable or do not agree on the potential impact of this missense change. The variant allele was found at a frequency of 4.5e-06 in 220842 control chromosomes. The available data on variant occurrences in the general population are insufficient to allow any conclusion about variant significance. To our knowledge, no occurrence of c.2212C>T in individuals affected with KCNH1-related conditions and no experimental evidence demonstrating its impact on protein function have been reported. ClinVar contains an entry for this variant (Variation ID: 986004). Based on the evidence outlined above, the variant was classified as uncertain significance.

Ambry Genetics
Classification: Uncertain significance for Inborn genetic diseases. Last evaluated: 2018-07-31. Review status: criteria provided, single submitter. Criteria: Ambry exome assertion method (8-5-2015). Collection method: clinical testing. Allele origin: germline. Affected: yes. Observed: 1 variant allele.

NM_172362.3(KCNH1):c.2212C>T (p.Arg738Trp)

Gene: KCNH1 (potassium voltage-gated channel subfamily H member 1; minus strand). Cytogenetic location: 1q32.2.
Variant type: single nucleotide variant.
Coding change: c.2212C>T on transcript NM_172362.3 (MANE Select); coding-DNA position 2212, C replaced by T.
Protein change: p.Arg738Trp; replaces arginine 738 with tryptophan.
Molecular consequence: missense variant.
Genome position (GRCh38, 1-based): chr1:210,684,039, G>A on the plus strand (C>T on the coding strand, the complement: KCNH1 is on the minus strand). VCF-style: chr1-210684039-G-A. GRCh37 (hg19) VCF-style: chr1-210857381-G-A.
Other names: c.2131C>T, p.Arg711Trp (NM_002238.4); short protein forms R711W, R738W.
Identifiers: ClinVar variation 986004 (VCV000986004.4), dbSNP rs908699888, ClinGen allele CA37111570.